The following is an entry in ClinVar:

ClinVar aggregate classification (germline): Uncertain significance (1 of 4 stars; one submission).

Conditions:
DOCK2 deficiency. Also called: Immunodeficiency 40. Identifiers: Orphanet 447737, MedGen C4225328, MONDO:0014637, OMIM 616433.

Submission:

Labcorp Genetics (formerly Invitae), Labcorp
Classification: Uncertain significance for DOCK2 deficiency. Last evaluated: 2021-06-14. Review status: criteria provided, single submitter. Criteria: Invitae Variant Classification Sherloc (09022015). Collection method: clinical testing. Allele origin: germline.
Comment: This sequence change replaces methionine with leucine at codon 510 of the DOCK2 protein (p.Met510Leu). The methionine residue is moderately conserved and there is a small physicochemical difference between methionine and leucine. This variant is not present in population databases (ExAC no frequency). This variant has not been reported in the literature in individuals with DOCK2-related conditions. Algorithms developed to predict the effect of missense changes on protein structure and function (SIFT, PolyPhen-2, Align-GVGD) all suggest that this variant is likely to be tolerated, but these predictions have not been confirmed by published functional studies and their clinical significance is uncertain. In summary, the available evidence is currently insufficient to determine the role of this variant in disease. Therefore, it has been classified as a Variant of Uncertain Significance.

NM_004946.3(DOCK2):c.1528A>T (p.Met510Leu)

Gene: DOCK2 (dedicator of cytokinesis 2; plus strand). Cytogenetic location: 5q35.1.
Variant type: single nucleotide variant.
Coding change: c.1528A>T on transcript NM_004946.3 (MANE Select); coding-DNA position 1528, A replaced by T.
Protein change: p.Met510Leu; replaces methionine 510 with leucine.
Molecular consequence: missense variant. On other transcripts: non-coding transcript variant (1).
Genome position (GRCh38, 1-based): chr5:169,711,980, A>T. VCF-style: chr5-169711980-A-T. GRCh37 (hg19) VCF-style: chr5-169138984-A-T.
Other names: short protein forms M510L.
Identifiers: ClinVar variation 1349394 (VCV001349394.8), dbSNP rs781388585, ClinGen allele CA362106835.